The following is an entry in ClinVar:

NM_206926.2(SELENON):c.7C>A (p.Arg3=)

Gene: SELENON (selenoprotein N; plus strand). Cytogenetic location: 1p36.11.
Variant type: single nucleotide variant.
Coding change: c.7C>A on transcript NM_206926.2 (MANE Select); coding-DNA position 7, C replaced by A.
Protein change: p.Arg3=; no amino-acid change (arginine 3 retained).
Molecular consequence: synonymous variant.
Genome position (GRCh38, 1-based): chr1:25,800,237, C>A. VCF-style: chr1-25800237-C-A. GRCh37 (hg19) VCF-style: chr1-26126728-C-A.
Other names: c.7C>A, p.Arg3= (NM_020451.3).
Identifiers: ClinVar variation 290956 (VCV000290956.17), dbSNP rs866566089, ClinGen allele CA10606958.

ClinVar aggregate classification (germline): Conflicting classifications of pathogenicity. Review status: criteria provided, conflicting classifications (1 of 4 stars). 3 submissions from 3 submitters: Uncertain significance (1); Likely benign (2). Last evaluated 2025-12-17.

Conditions:
SELENON-related disorder. Also called: SELENON-related condition.
Eichsfeld type congenital muscular dystrophy (CMYO3). Also called: MYOPATHY, SEPN1-RELATED; Rigid spine muscular dystrophy 1; SELENON-related myopathy; Congenital myopathy 3 with rigid spine. Identifiers: MedGen C0410180, MONDO:0100100, OMIM 602771.

Allele frequency attached by ClinVar (database versions not stated): 1000 Genomes Project 30x 0.00016; gnomAD 0.00016; TOPMed 0.00027.
gnomAD v4.1: 37 of 820,742 alleles (0.0045%); highest among the groups gnomAD compares: African/African-American, 0.067%; no homozygotes.

Submissions (3):

Labcorp Genetics (formerly Invitae), Labcorp
Classification: Likely benign for Eichsfeld type congenital muscular dystrophy. Last evaluated: 2025-12-17. Review status: criteria provided, single submitter. Criteria: Invitae Variant Classification Sherloc (09022015). Collection method: clinical testing. Allele origin: germline.

PreventionGenetics, part of Exact Sciences
Classification: Likely benign for SELENON-related condition. Last evaluated: 2025-03-18. Review status: criteria provided, single submitter. Criteria: ACMG Guidelines, 2015. Collection method: clinical testing. Allele origin: germline.
Comment: This variant is classified as likely benign based on ACMG/AMP sequence variant interpretation guidelines (Richards et al. 2015 PMID: 25741868, with internal and published modifications).

Eurofins Ntd Llc (ga)
Classification: Uncertain significance. Last evaluated: 2016-08-27. Review status: criteria provided, single submitter. Criteria: EGL Classification Definitions 2015. Collection method: clinical testing. Allele origin: germline. Observed: 1 variant allele, 1 heterozygote.